The following is an entry in ClinVar:

NM_000368.5(TSC1):c.1534C>T (p.Leu512Phe)

Gene: TSC1 (TSC complex subunit 1; minus strand). Cytogenetic location: 9q34.13.
Variant type: single nucleotide variant.
Coding change: c.1534C>T on transcript NM_000368.5 (MANE Select); coding-DNA position 1534, C replaced by T.
Protein change: p.Leu512Phe; replaces leucine 512 with phenylalanine.
Molecular consequence: missense variant. On other transcripts: non-coding transcript variant (5).
Genome position (GRCh38, 1-based): chr9:132,906,044, G>A on the plus strand (C>T on the coding strand, the complement: TSC1 is on the minus strand). VCF-style: chr9-132906044-G-A. GRCh37 (hg19) VCF-style: chr9-135781431-G-A.
Other names: c.1531C>T, p.Leu511Phe (NM_001406603.1, NM_001406604.1, NM_001406608.1 and 6 more transcripts); c.1534C>T, p.Leu512Phe (NM_001406605.1, NM_001406606.1, NM_001406607.1 and 7 more transcripts); c.1381C>T, p.Leu461Phe (NM_001406610.1, NM_001162427.2); c.1378C>T, p.Leu460Phe (NM_001406611.1, NM_001406612.1, NM_001406613.1); c.1171C>T, p.Leu391Phe (NM_001362177.2, NM_001406614.1, NM_001406615.1 and 5 more transcripts); c.1168C>T, p.Leu390Phe (NM_001406620.1, NM_001406621.1, NM_001406622.1 and 2 more transcripts); c.583C>T, p.Leu195Phe (NM_001406626.1); c.580C>T, p.Leu194Phe (NM_001406627.1, NM_001406628.1); and 1 more; short protein forms L161F, L195F, L390F, L461F, L391F, L194F, L460F, L511F.
Identifiers: ClinVar variation 2560385 (VCV002560385.6), dbSNP rs2131844015, ClinGen allele CA375365202.

ClinVar aggregate classification (germline): Uncertain significance. Review status: criteria provided, multiple submitters, no conflicts (2 of 4 stars). 3 submissions from 3 submitters: Uncertain significance (2). 1 of the submissions does not count toward it. Last evaluated 2023-07-21.

Conditions:
Hereditary cancer-predisposing syndrome. Also called: Tumor predisposition; Hereditary neoplastic syndrome; Neoplastic Syndromes, Hereditary; Hereditary Cancer Syndrome. Identifiers: Orphanet 140162, MedGen C0027672, MeSH D009386, MONDO:0015356.
Tuberous sclerosis 1 (TSC1). Identifiers: Orphanet 805, MedGen C1854465, MONDO:0008612, OMIM 191100.
TSC1-related disorder. Also called: TSC1-related condition.

Submissions (3):

Labcorp Genetics (formerly Invitae), Labcorp
Classification: Uncertain significance for Tuberous sclerosis 1. Last evaluated: 2023-07-21. Review status: criteria provided, single submitter. Criteria: Invitae Variant Classification Sherloc (09022015). Collection method: clinical testing. Allele origin: germline.
Comment: This sequence change replaces leucine, which is neutral and non-polar, with phenylalanine, which is neutral and non-polar, at codon 512 of the TSC1 protein (p.Leu512Phe). In summary, the available evidence is currently insufficient to determine the role of this variant in disease. Therefore, it has been classified as a Variant of Uncertain Significance. Advanced modeling of protein sequence and biophysical properties (such as structural, functional, and spatial information, amino acid conservation, physicochemical variation, residue mobility, and thermodynamic stability) performed at Invitae indicates that this missense variant is not expected to disrupt TSC1 protein function. ClinVar contains an entry for this variant (Variation ID: 2560385). This variant has not been reported in the literature in individuals affected with TSC1-related conditions. This variant is not present in population databases (gnomAD no frequency).

Ambry Genetics
Classification: Uncertain significance for Hereditary cancer-predisposing syndrome. Last evaluated: 2023-04-22. Review status: criteria provided, single submitter. Criteria: Ambry Variant Classification Scheme 2023. Collection method: clinical testing. Allele origin: germline.
Comment: The p.L512F variant (also known as c.1534C>T), located in coding exon 13 of the TSC1 gene, results from a C to T substitution at nucleotide position 1534. The leucine at codon 512 is replaced by phenylalanine, an amino acid with highly similar properties. This amino acid position is conserved. In addition, the in silico prediction for this alteration is inconclusive. Since supporting evidence is limited at this time, the clinical significance of this alteration remains unclear.

PreventionGenetics, part of Exact Sciences
Classification: Uncertain significance for TSC1-related condition. Last evaluated: 2024-06-25. Review status: no assertion criteria provided. Collection method: clinical testing. Allele origin: germline. Not counted in ClinVar's aggregate classification.
Comment: The TSC1 c.1534C>T variant is predicted to result in the amino acid substitution p.Leu512Phe. To our knowledge, this variant has not been reported in the literature or in gnomAD, indicating this variant is rare. At this time, the clinical significance of this variant is uncertain due to the absence of conclusive functional and genetic evidence.